The following is an entry in ClinVar:

NM_001378457.1(DMXL2):c.244A>G (p.Ile82Val)

Gene: DMXL2 (Dmx like 2; minus strand). Cytogenetic location: 15q21.2.
Variant type: single nucleotide variant.
Coding change: c.244A>G on transcript NM_001378457.1 (MANE Select); coding-DNA position 244, A replaced by G.
Protein change: p.Ile82Val; replaces isoleucine 82 with valine.
Molecular consequence: missense variant. On other transcripts: non-coding transcript variant (2).
Genome position (GRCh38, 1-based): chr15:51,568,528, T>C on the plus strand (A>G on the coding strand, the complement: DMXL2 is on the minus strand). VCF-style: chr15-51568528-T-C. GRCh37 (hg19) VCF-style: chr15-51860725-T-C.
Other names: c.244A>G, p.Ile82Val (NM_001174116.3, NM_001174117.3, NM_001378458.1 and 7 more transcripts); short protein forms I82V.
Identifiers: ClinVar variation 2705876 (VCV002705876.3), dbSNP rs762980686, ClinGen allele CA7562891.

ClinVar aggregate classification (germline): Uncertain significance (1 of 4 stars; one submission).

Allele frequency attached by ClinVar (database versions not stated): gnomAD exomes below 0.00001; ExAC 0.00001.
gnomAD v4.1: 8 of 1,581,744 alleles (0.00051%); highest among the groups gnomAD compares: South Asian, 0.0012%; no homozygotes.

Submission:

Labcorp Genetics (formerly Invitae), Labcorp
Classification: Uncertain significance. Last evaluated: 2024-02-29. Review status: criteria provided, single submitter. Criteria: Invitae Variant Classification Sherloc (09022015). Collection method: clinical testing. Allele origin: germline.
Comment: This sequence change replaces isoleucine, which is neutral and non-polar, with valine, which is neutral and non-polar, at codon 82 of the DMXL2 protein (p.Ile82Val). The frequency data for this variant in the population databases is considered unreliable, as metrics indicate poor data quality at this position in the gnomAD database. This variant has not been reported in the literature in individuals affected with DMXL2-related conditions. An algorithm developed to predict the effect of missense changes on protein structure and function (PolyPhen-2) suggests that this variant is likely to be tolerated. In summary, the available evidence is currently insufficient to determine the role of this variant in disease. Therefore, it has been classified as a Variant of Uncertain Significance.